The following is an entry in ClinVar:

ClinVar aggregate classification (germline): Uncertain significance (1 of 4 stars; one submission).

Conditions:
Nemaline myopathy 8 (NEM8). Also called: Nemaline myopathy 8, autosomal recessive. Identifiers: Orphanet 171430, MedGen C3809209, MONDO:0014138, OMIM 615348.

Submission:

Labcorp Genetics (formerly Invitae), Labcorp
Classification: Uncertain significance for Nemaline myopathy 8. Last evaluated: 2021-09-02. Review status: criteria provided, single submitter. Criteria: Invitae Variant Classification Sherloc (09022015). Collection method: clinical testing. Allele origin: germline.
Comment: Algorithms developed to predict the effect of missense changes on protein structure and function (SIFT, PolyPhen-2, Align-GVGD) all suggest that this variant is likely to be disruptive. This sequence change replaces cysteine with serine at codon 145 of the KLHL40 protein (p.Cys145Ser). The cysteine residue is highly conserved and there is a moderate physicochemical difference between cysteine and serine. This variant is not present in population databases (ExAC no frequency). This variant has not been reported in the literature in individuals affected with KLHL40-related conditions. Algorithms developed to predict the effect of sequence changes on RNA splicing suggest that this variant may create or strengthen a splice site. In summary, the available evidence is currently insufficient to determine the role of this variant in disease. Therefore, it has been classified as a Variant of Uncertain Significance.

NM_152393.4(KLHL40):c.433T>A (p.Cys145Ser)

Gene: KLHL40 (kelch like family member 40; plus strand). Cytogenetic location: 3p22.1.
Variant type: single nucleotide variant.
Coding change: c.433T>A on transcript NM_152393.4 (MANE Select); coding-DNA position 433, T replaced by A.
Protein change: p.Cys145Ser; replaces cysteine 145 with serine.
Molecular consequence: missense variant.
Genome position (GRCh38, 1-based): chr3:42,686,051, T>A. VCF-style: chr3-42686051-T-A. GRCh37 (hg19) VCF-style: chr3-42727543-T-A.
Other names: short protein forms C145S.
Identifiers: ClinVar variation 1468992 (VCV001468992.6), dbSNP rs781200087, ClinGen allele CA352289399.